The following is an entry in ClinVar:

NM_001430.5(EPAS1):c.1902A>T (p.Arg634Ser)

Gene: EPAS1 (endothelial PAS domain protein 1; plus strand). Cytogenetic location: 2p21.
Variant type: single nucleotide variant.
Coding change: c.1902A>T on transcript NM_001430.5 (MANE Select); coding-DNA position 1902, A replaced by T.
Protein change: p.Arg634Ser; replaces arginine 634 with serine.
Molecular consequence: missense variant.
Genome position (GRCh38, 1-based): chr2:46,380,574, A>T. VCF-style: chr2-46380574-A-T. GRCh37 (hg19) VCF-style: chr2-46607713-A-T.
Other names: short protein forms R634S.
Identifiers: ClinVar variation 3508949 (VCV003508949.1).

ClinVar aggregate classification (germline): Uncertain significance (1 of 4 stars; one submission).

Conditions:
Inborn genetic diseases. Identifiers: MedGen C0950123, MeSH D030342.

gnomAD v4.1: 1 of 1,613,918 alleles (0.000062%); highest among the groups gnomAD compares: Non-Finnish European, 0.000085%; no homozygotes.

Submission:

Ambry Genetics
Classification: Uncertain significance for Inborn genetic diseases. Last evaluated: 2024-07-13. Review status: criteria provided, single submitter. Criteria: Ambry Variant Classification Scheme 2023. Collection method: clinical testing. Allele origin: germline.
Comment: The p.R634S variant (also known as c.1902A>T), located in coding exon 12 of the EPAS1 gene, results from an A to T substitution at nucleotide position 1902. The arginine at codon 634 is replaced by serine, an amino acid with dissimilar properties. This amino acid position is conserved. In addition, this alteration is predicted to be tolerated by in silico analysis. Based on the available evidence, the clinical significance of this variant remains unclear.